The following is an entry in ClinVar:

ClinVar aggregate classification (germline): Uncertain significance (1 of 4 stars; one submission).

Conditions:
Episodic ataxia type 2 (EA2). Also called: CEREBELLAR ATAXIA, PAROXYSMAL, ACETAZOLAMIDE-RESPONSIVE; CEREBELLOPATHY, HEREDITARY PAROXYSMAL; EPISODIC ATAXIA, NYSTAGMUS-ASSOCIATED; ACETAZOLAMIDE-RESPONSIVE HEREDITARY PAROXYSMAL CEREBELLAR ATAXIA; ATAXIA, EPISODIC, WITH NYSTAGMUS; ATAXIA, FAMILIAL PAROXYSMAL. Identifiers: Orphanet 97, MedGen C1720416, MONDO:0007163, OMIM 108500.
Developmental and epileptic encephalopathy, 42 (DEE42A). Also called: Epileptic encephalopathy, early infantile, 42; DEVELOPMENTAL AND EPILEPTIC ENCEPHALOPATHY 42A; EPILEPTIC ENCEPHALOPATHY, EARLY INFANTILE, 42A. Identifiers: MedGen C4310716, MONDO:0014917, OMIM 617106.

Allele frequency attached by ClinVar (database versions not stated): gnomAD exomes 0.00001; TOPMed 0.00001; ExAC 0.00003.
gnomAD v4.1: 12 of 1,594,432 alleles (0.00075%); highest among the groups gnomAD compares: South Asian, 0.0057%; no homozygotes.

Submission:

Labcorp Genetics (formerly Invitae), Labcorp
Classification: Uncertain significance for Developmental and epileptic encephalopathy, 42; Episodic ataxia type 2. Last evaluated: 2025-08-20. Review status: criteria provided, single submitter. Criteria: Invitae Variant Classification Sherloc (09022015). Collection method: clinical testing. Allele origin: germline.
Comment: This sequence change replaces arginine, which is basic and polar, with glutamine, which is neutral and polar, at codon 544 of the CACNA1A protein (p.Arg544Gln). This variant is present in population databases (rs760366437, gnomAD 0.01%). This variant has not been reported in the literature in individuals affected with CACNA1A-related conditions. ClinVar contains an entry for this variant (Variation ID: 2933184). Invitae Evidence Modeling of protein sequence and biophysical properties (such as structural, functional, and spatial information, amino acid conservation, physicochemical variation, residue mobility, and thermodynamic stability) has been performed for this missense variant. However, the output from this modeling did not meet the statistical confidence thresholds required to predict the impact of this variant on CACNA1A protein function. In summary, the available evidence is currently insufficient to determine the role of this variant in disease. Therefore, it has been classified as a Variant of Uncertain Significance.

NM_001127222.2(CACNA1A):c.1628G>A (p.Arg543Gln)

Gene: CACNA1A (calcium voltage-gated channel subunit alpha1 A; minus strand). Cytogenetic location: 19p13.13.
Variant type: single nucleotide variant.
Coding change: c.1628G>A on transcript NM_001127222.2 (MANE Select); coding-DNA position 1628, G replaced by A.
Protein change: p.Arg543Gln; replaces arginine 543 with glutamine.
Molecular consequence: missense variant.
Genome position (GRCh38, 1-based): chr19:13,312,709, C>T on the plus strand (G>A on the coding strand, the complement: CACNA1A is on the minus strand). VCF-style: chr19-13312709-C-T. GRCh37 (hg19) VCF-style: chr19-13423523-C-T.
Other names: c.1631G>A, p.Arg544Gln (NM_000068.4, NM_001127221.2, NM_001174080.2 and 1 more transcripts); short protein forms R543Q, R544Q.
Identifiers: ClinVar variation 2933184 (VCV002933184.3), dbSNP rs760366437, ClinGen allele CA9240772.